The following is an entry in ClinVar:

NM_001083619.3(GRIA2):c.246G>A (p.Ser82=)

Gene: GRIA2 (glutamate ionotropic receptor AMPA type subunit 2; plus strand). Cytogenetic location: 4q32.1.
Variant type: single nucleotide variant.
Coding change: c.246G>A on transcript NM_001083619.3 (MANE Select); coding-DNA position 246, G replaced by A.
Protein change: p.Ser82=; no amino-acid change (serine 82 retained).
Molecular consequence: synonymous variant.
Genome position (GRCh38, 1-based): chr4:157,303,568, G>A. VCF-style: chr4-157303568-G-A. GRCh37 (hg19) VCF-style: chr4-158224720-G-A.
Other names: c.246G>A, p.Ser82= (NM_000826.6); c.105G>A, p.Ser35= (NM_001083620.3, NM_001379000.3, NM_001379001.3).
Identifiers: ClinVar variation 2655153 (VCV002655153.24), dbSNP rs781317017, ClinGen allele CA3120121.

ClinVar aggregate classification (germline): Likely benign (1 of 4 stars; one submission).

Allele frequency attached by ClinVar (database versions not stated): ExAC 0.00001.
gnomAD v4.1: 20 of 1,613,118 alleles (0.0012%); highest among the groups gnomAD compares: South Asian, 0.013%; no homozygotes.

Submission:

CeGaT Center for Human Genetics Tuebingen
Classification: Likely benign. Last evaluated: 2023-09-01. Review status: criteria provided, single submitter. Criteria: CeGaT Center For Human Genetics Tuebingen Variant Classification Criteria Version 2. Collection method: clinical testing. Allele origin: germline. Affected: yes. Observed: 1 variant allele.
Comment: GRIA2: BP4, BP7